The following is an entry in ClinVar:

NM_000350.3(ABCA4):c.6119G>A (p.Arg2040Gln)

Gene: ABCA4 (ATP binding cassette subfamily A member 4; minus strand). Cytogenetic location: 1p22.1.
Variant type: single nucleotide variant.
Coding change: c.6119G>A on transcript NM_000350.3 (MANE Select); coding-DNA position 6119, G replaced by A.
Protein change: p.Arg2040Gln; replaces arginine 2040 with glutamine.
Molecular consequence: missense variant.
Genome position (GRCh38, 1-based): chr1:94,005,469, C>T on the plus strand (G>A on the coding strand, the complement: ABCA4 is on the minus strand). VCF-style: chr1-94005469-C-T. GRCh37 (hg19) VCF-style: chr1-94471025-C-T.
Other names: c.5897G>A, p.Arg1966Gln (NM_001425324.1); short protein forms R2040Q, R1966Q.
Identifiers: ClinVar variation 143076 (VCV000143076.38), dbSNP rs148460146, ClinGen allele CA232815.

ClinVar aggregate classification (germline): Pathogenic/Likely pathogenic. Review status: criteria provided, multiple submitters, no conflicts (2 of 4 stars). 15 submissions from 15 submitters: Pathogenic (6); Likely pathogenic (6). 3 of the submissions do not count toward it. Last evaluated 2026-06-12.

Conditions:
ABCA4-related disorder. Also called: ABCA4-related disorders; ABCA4-related condition. Identifiers: MedGen CN239167.
Severe early-childhood-onset retinal dystrophy (STGD1). Also called: MACULAR DYSTROPHY WITH FLECKS, TYPE 1; Stargardt macular dystrophy; Juvenile onset macular degeneration; Stargardt disease 1; STGD. Identifiers: Orphanet 364055, Orphanet 827, MedGen C1855465, MeSH D000080362, MONDO:0009549, OMIM 248200.
Cone-rod dystrophy 3 (CORD3). Identifiers: Orphanet 1872, MedGen C1858806, MONDO:0011395, OMIM 604116.
Retinitis pigmentosa 19 (RP19). Also called: ABCA4-Related Retinitis Pigmentosa. Identifiers: Orphanet 791, MedGen C1866422, MONDO:0011137, OMIM 601718.
Retinal dystrophy. Also called: Inherited retinal dystrophy. Identifiers: Orphanet 71862, MedGen C0854723, MeSH D058499, MONDO:0019118, HP:0000556.
Age related macular degeneration 2. Also called: MACULAR DEGENERATION, SENILE; MACULOPATHY, AGE-RELATED, 2; MACULOPATHY, AGE-RELATED. Identifiers: MedGen C3495438, MONDO:0007932, OMIM 153800.
Stargardt disease (FFM). Also called: Fundus flavimaculatus; Stargardt's disease. Identifiers: Orphanet 827, MedGen C0271093, MONDO:0019353.

Allele frequency attached by ClinVar (database versions not stated): gnomAD exomes 0.00014 and 0.00031; TOPMed 0.00022; ESP Exome Variant Server 0.00023; gnomAD 0.00024 and 0.00030; ExAC 0.00034; 1000 Genomes Project 30x 0.00094; 1000 Genomes Project 0.00120.
gnomAD v4.1: 251 of 1,614,128 alleles (0.016%); highest among the groups gnomAD compares: East Asian, 0.18%; 2 homozygotes.

Submissions (16):

Women's Health and Genetics/Laboratory Corporation of America, LabCorp
Classification: Pathogenic for Stargardt disease. Last evaluated: 2026-06-12. Review status: criteria provided, single submitter. Criteria: LabCorp Variant Classification Summary - May 2015. Collection method: clinical testing. Allele origin: germline.
Comment: Variant summary: ABCA4 c.6119G>A (p.Arg2040Gln) results in a conservative amino acid change in the encoded protein sequence. Algorithms developed to predict the effect of missense changes on protein structure and function are either unavailable or do not agree on the potential impact of this missense change. The variant allele was found at a frequency of 0.00031 in 251330 control chromosomes in the gnomAD database, including 1 homozygote. This frequency is not significantly higher than the estimate for disease-causing variants in ABCA4, so no conclusion can be drawn about variant significance. c.6119G>A has been observed in multiple individuals affected with Stargardt Disease (e.g. Jiang_2016, Zernant_2014, Zaneveld_2015). These data indicate that the variant is very likely to be associated with disease. To our knowledge, no experimental evidence demonstrating an impact on protein function has been reported. The following publications have been ascertained in the context of this evaluation (PMID: 26780318, 22449572, 25474345, 25066811). ClinVar contains an entry for this variant (Variation ID: 143076). Based on the evidence outlined above, the variant was classified as pathogenic.

PreventionGenetics, part of Exact Sciences
Classification: Likely pathogenic for ABCA4-related condition. Last evaluated: 2026-04-02. Review status: criteria provided, single submitter. Criteria: ACMG Guidelines, 2015. Collection method: clinical testing. Allele origin: germline.
Comment: The ABCA4 c.6119G>A variant is predicted to result in the amino acid substitution p.Arg2040Gln. This variant has been reported many times in the compound heterozygous state in individuals with ABCA4-related retinal disease (Table S4, Jiang et al. 2016. PubMed ID: 26780318; Table S2, Weisschuh et al 2020. PubMed ID: 32531858; Table S2, Sun et al. 2020. PubMed ID: 33301772; Supplementary data 1, Chen et al. 2021. PubMed ID: 33608557; Table S1, Lin et al. 2024. PubMed ID: 38219857). This variant is reported in 0.20% of alleles in individuals of East Asian descent in gnomAD, including two homozygous individuals in the gnomAD v4 dataset, indicating this variant may have a mild or late-onset effect when in the homozygous state or may only cause disease in the compound heterozygous state with a more severe variant. This variant is interpreted as likely pathogenic.

Labcorp Genetics (formerly Invitae), Labcorp
Classification: Pathogenic. Last evaluated: 2025-12-11. Review status: criteria provided, single submitter. Criteria: Invitae Variant Classification Sherloc (09022015). Collection method: clinical testing. Allele origin: germline.
Comment: This sequence change replaces arginine, which is basic and polar, with glutamine, which is neutral and polar, at codon 2040 of the ABCA4 protein (p.Arg2040Gln). This variant is present in population databases (rs148460146, gnomAD 0.2%), including at least one homozygous and/or hemizygous individual. This missense change has been observed in individuals with Stargardt disease (PMID: 22449572, 25066811, 25474345, 26780318). ClinVar contains an entry for this variant (Variation ID: 143076). Invitae Evidence Modeling of protein sequence and biophysical properties (such as structural, functional, and spatial information, amino acid conservation, physicochemical variation, residue mobility, and thermodynamic stability) indicates that this missense variant is expected to disrupt ABCA4 protein function with a positive predictive value of 95%. For these reasons, this variant has been classified as Pathogenic.

3billion
Classification: Pathogenic for Retinitis pigmentosa 19. Last evaluated: 2025-07-25. Review status: criteria provided, single submitter. Criteria: ACMG Guidelines, 2015. Collection method: clinical testing. Allele origin: germline. Affected: yes.
Comment: The variant is observed at an extremely low frequency in the gnomAD v4.1.0 dataset (total allele frequency: 0.016%). Predicted Consequence/Location: Missense variant In silico tool predictions suggest damaging effect of the variant on gene or gene product [REVEL: 0.91 (>=0.6, sensitivity 0.68 and specificity 0.92)]. The same nucleotide change resulting in the same amino acid change has been previously reported as pathogenic/likely pathogenic with strong evidence (ClinVar ID: VCV000143076 /PMID: 22449572 /3billion dataset). The variant has been reported to be in trans with a pathogenic variant as either compound heterozygous or homozygous in at least 2 similarly affected unrelated individuals (PMID: 25066811). A different missense change at the same codon (p.Arg2040Pro) has been reported to be associated with ABCA4-related disorder (ClinVar ID: VCV000806157). Therefore, this variant is classified as Pathogenic according to the recommendation of ACMG/AMP guideline.

GeneDx
Classification: Likely pathogenic. Last evaluated: 2025-07-21. Review status: criteria provided, single submitter. Criteria: GeneDx Variant Classification Process June 2021. Collection method: clinical testing. Allele origin: germline. Affected: yes.
Comment: In silico analysis supports that this missense variant has a deleterious effect on protein structure/function; This variant is associated with the following publications: (PMID: 25066811, 31054281, 22449572, 26780318, 25474345, 28890726, 29343940, 31589614, 32531858, 34721897, 33301772, 35657619, 34758253, 33261146, 37588055, 33608557, 35120629, 31964843, 38927702, 38219857, 35150601, 39127396, 39162841)

First Genomix Gene Laboratory, Genetic Diagnostics Department
Classification: Pathogenic for Cone-rod dystrophy 3; Severe early-childhood-onset retinal dystrophy; Retinitis pigmentosa 19. Last evaluated: 2025-05-29. Review status: criteria provided, single submitter. Criteria: ACMG Guidelines, 2015. Collection method: clinical testing. Allele origin: germline. Inheritance: Autosomal recessive inheritance. Affected: no. Observed: 1 variant allele.

Blueprint Genetics
Classification: Pathogenic for ABCA4-related disorders. Last evaluated: 2024-11-21. Review status: criteria provided, single submitter. Criteria: ACMG Guidelines, 2015. Collection method: clinical testing. Allele origin: germline. Affected: yes. Observed: 5 variant alleles.

Fulgent Genetics
Classification: Likely pathogenic for Age related macular degeneration 2; Severe early-childhood-onset retinal dystrophy; Retinitis pigmentosa 19; Cone-rod dystrophy 3. Last evaluated: 2024-03-14. Review status: criteria provided, single submitter. Criteria: ACMG Guidelines, 2015. Collection method: clinical testing. Allele origin: germline.

Dept Of Ophthalmology, Nagoya University
Classification: Likely pathogenic for Retinal dystrophy. Last evaluated: 2023-10-01. Review status: criteria provided, single submitter. Criteria: Submitter's publication. Collection method: research. Allele origin: germline. Affected: yes.

Mendelics
Classification: Likely pathogenic for Severe early-childhood-onset retinal dystrophy. Last evaluated: 2020-01-31. Review status: criteria provided, single submitter. Criteria: Mendelics Assertion Criteria 2017. Collection method: clinical testing. Allele origin: unknown.

Juno Genomics, Hangzhou Juno Genomics, Inc
Classification: Pathogenic for Severe early-childhood-onset retinal dystrophy. Review status: criteria provided, single submitter. Criteria: ACMG Guidelines, 2015. Collection method: clinical testing. Allele origin: germline.
Comment: Multiple lines of computational evidence support a deleterious effect on the gene or gene product.;For recessive disorders, detected in trans with a pathogenic variant.;Patient's phenotype or family history is highly specific for a disease with a single genetic etiology.

Neuberg Centre For Genomic Medicine, NCGM
Classification: Likely pathogenic for Severe early-childhood-onset retinal dystrophy. Review status: criteria provided, single submitter. Criteria: ACMG Guidelines, 2015. Collection method: clinical testing. Allele origin: germline. Inheritance: Autosomal recessive inheritance. Affected: yes.
Comment: The observed missense c.6119G>A (p.Arg2040Gln) variant in ABCA4 gene has been reported previously in multiple individuals affected with ABCA4-related disorder (Zernant et al. 2014; Zaneveld et al. 2015; Jiang et al. 2016). The p.Arg2040Gln variant is present with an allele frequency of 0.03% in gnomAD exomes database. This variant has been submitted to the ClinVar database as Likely Pathogenic / Pathogenic. Multiple lines of computational evidence predict a damaging effect on protein structure and function for this variant (Sift - damaging; Polyphen - probably damaging; Mutation Taster - disease causing). The amino acid change p.Arg2040Gln in ABCA4 is predicted as conserved by GERP++ and PhyloP across 100 vertebrates. The amino acid Arg at position 2040 is changed to a Gln changing protein sequence and it might alter its composition and physico-chemical properties. Additional studies will be required to prove the pathogenicity of this variant. For these reasons, this variant has been classified as a Likely Pathogenic.

Department of Ophthalmology and Visual Sciences Kyoto University
Classification: Likely benign. Review status: no assertion criteria provided. Collection method: not provided. Allele origin: unknown. Not counted in ClinVar's aggregate classification.
ClinVar note: Converted during submission from probable-non-pathogenic to Likely benign.

Dr. Peter K. Rogan Lab, Western University
No classification provided (evidence only). Condition: Thyroid cancer, nonmedullary, 1. Review status: no classification provided. Collection method: in vitro. Allele origin: not applicable. Functional consequence: retained intron. Not counted in ClinVar's aggregate classification.

Genomics England Pilot Project, Genomics England
Classification: Likely pathogenic for Retinitis pigmentosa 19. Review status: no assertion criteria provided. Criteria: ACGS Guidelines, 2016. Collection method: clinical testing. Allele origin: germline. Affected: yes. Not counted in ClinVar's aggregate classification.

Ophthalmo-Genetics Lab, Instituto de Oftalmologia Conde de Valenciana
Classification: Pathogenic for Severe early-childhood-onset retinal dystrophy. Review status: no assertion criteria provided. Collection method: research. Allele origin: germline. Inheritance: Autosomal recessive inheritance. Affected: yes. Not counted in ClinVar's aggregate classification.

Literature cited by the submitters: PubMed 25474345 (cited by Women's Health and Genetics/Laboratory Corporation of America, LabCorp and Labcorp Genetics (formerly Invitae), Labcorp); PubMed 25066811 (cited by 4 submitters); PubMed 26780318 (cited by Women's Health and Genetics/Laboratory Corporation of America, LabCorp and Labcorp Genetics (formerly Invitae), Labcorp); PubMed 22449572 (cited by 3 submitters).